The following is an entry in ClinVar:

ClinVar aggregate classification (germline): Benign. Review status: reviewed by expert panel (3 of 4 stars). 38 submissions from 37 submitters: Benign (1). 37 of the submissions do not count toward it. Last evaluated 2018-04-12.

Conditions:
BRCA2-related disorder. Also called: BRCA2-related condition; BRCA2-related disorders. Identifiers: MedGen CN239275.
Hereditary cancer-predisposing syndrome. Also called: Hereditary Cancer Syndrome; Tumor predisposition; Neoplastic Syndromes, Hereditary; Hereditary neoplastic syndrome. Identifiers: Orphanet 140162, MedGen C0027672, MeSH D009386, MONDO:0015356.
Breast and/or ovarian cancer. Identifiers: MedGen CN221562.
Hereditary breast ovarian cancer syndrome. Also called: Breast and ovarian cancer; BRCA1- and BRCA2-Associated Hereditary Breast and Ovarian Cancer; Hereditary breast and ovarian cancer; Hereditary breast and ovarian cancer syndrome (HBOC); Hereditary breast and ovarian cancer syndrome; Hereditary breast and/or ovarian cancer syndrome. Identifiers: Orphanet 145, MedGen C0677776, MeSH D061325, MONDO:0003582. Disease mechanism: loss of function.
Breast-ovarian cancer, familial, susceptibility to, 2 (BROVCA2). Also called: BRCA2 Hereditary Breast and Ovarian Cancer. Identifiers: Orphanet 145, MedGen C2675520, MONDO:0012933, OMIM 612555. Disease mechanism: loss of function.
Fanconi anemia complementation group D1. Also called: BRCA2-Related Fanconi Anemia. Identifiers: Orphanet 319462, MedGen C1838457, MONDO:0011584, OMIM 605724.
Familial cancer of breast. Also called: BREAST CANCER, FAMILIAL; hereditary breast carcinoma; Hereditary breast cancer. Identifiers: Orphanet 227535, MedGen C0346153, MONDO:0016419, OMIM 114480. Disease mechanism: loss of function.
Malignant tumor of breast. Also called: Malignant breast neoplasm; Cancer breast. Identifiers: MedGen C0006142, MONDO:0007254. Disease mechanism: loss of function.

Allele frequency attached by ClinVar (database versions not stated): ESP Exome Variant Server 0.00108; 1000 Genomes Project 30x 0.00109; 1000 Genomes Project 0.00120; TOPMed 0.00229; ExAC 0.00238; gnomAD 0.00277 and 0.00281; gnomAD exomes 0.00287.
gnomAD v4.1: 4,031 of 1,611,588 alleles (0.25%); highest among the groups gnomAD compares: Admixed American, 0.36%; 13 homozygotes.

Submissions 1 to 18 of 42:

Evidence-based Network for the Interpretation of Germline Mutant Alleles (ENIGMA)
Classification: Benign for Breast-ovarian cancer, familial, susceptibility to, 2. Last evaluated: 2018-04-12. Review status: reviewed by expert panel. Criteria: ENIGMA BRCA1/2 Classification Criteria (2017-06-29). Collection method: curation. Allele origin: germline. Study: ENIGMA.
Comment: IARC class based on combined odds from multifactorial likelihood analysis, thresholds for class as per Easton et al. 2007 (PMID: 17924331). Class 1 Not Pathogenic based on posterior probability of pathogenicity = 7.44x10-115. There was no evidence for increased risk of breast cancer (OR 1.03; 95%CI 0.86-1.24) from case-control analysis of 83636 individuals. Nor for a deleterious effect of the variant when co-occurring with a pathogenic variant. Quantitative splicing analysis revealed an exon 3 exclusion rate of 13% in carriers compared to 3% in controls. Exon 3 exclusion from the variant allele is estimated at 20%.

CeGaT Center for Human Genetics Tuebingen
Classification: Benign. Last evaluated: 2026-06-01. Review status: criteria provided, single submitter. Criteria: CeGaT Center For Human Genetics Tuebingen Variant Classification Criteria Version 2. Collection method: clinical testing. Allele origin: germline. Affected: yes. Observed: 52 variant alleles. Not counted in ClinVar's aggregate classification.
Comment: BRCA2: BP4, BS1, BS2

Labcorp Genetics (formerly Invitae), Labcorp
Classification: Benign for Hereditary breast ovarian cancer syndrome. Last evaluated: 2026-02-04. Review status: criteria provided, single submitter. Criteria: Invitae Variant Classification Sherloc (09022015). Collection method: clinical testing. Allele origin: germline. Not counted in ClinVar's aggregate classification.

Dasa
Classification: Benign for Breast-ovarian cancer, familial, susceptibility to, 2. Last evaluated: 2025-11-11. Review status: criteria provided, single submitter. Criteria: DASA Assertion Criteria. Collection method: clinical testing. Allele origin: germline. Not counted in ClinVar's aggregate classification.
Comment: NM_000059.4(BRCA2):c.68-7T>A is interpreted as benign based on a combination of available evidence, which may include population frequency, observations in unaffected individuals, intact protein function, lack of segregation with disease, in silico models, amino acid conservation, lack of disease association in case-control studies, and/or inconsistency with the known disease mechanism or impacted region. Based on the available data, this variant is classified as benign.

ARUP Laboratories, Molecular Genetics and Genomics, ARUP Laboratories
Classification: Benign. Last evaluated: 2025-06-17. Review status: criteria provided, single submitter. Criteria: ARUP Molecular Germline Variant Investigation Process 2024. Collection method: clinical testing. Allele origin: germline. Not counted in ClinVar's aggregate classification.

Center for Genomic Medicine, Rigshospitalet, Copenhagen University Hospital
Classification: Benign. Last evaluated: 2025-03-04. Review status: criteria provided, single submitter. Criteria: ACMG Guidelines, 2015. Collection method: clinical testing. Allele origin: germline. Not counted in ClinVar's aggregate classification.

Blueprint Genetics
Classification: Likely benign. Last evaluated: 2024-11-27. Review status: criteria provided, single submitter. Criteria: ACMG Guidelines, 2015. Collection method: clinical testing. Allele origin: germline. Not counted in ClinVar's aggregate classification.

KCCC/NGS Laboratory, Kuwait Cancer Control Center
Classification: Benign for Breast-ovarian cancer, familial, susceptibility to, 2. Last evaluated: 2023-07-07. Review status: criteria provided, single submitter. Criteria: ACMG Guidelines, 2015. Collection method: clinical testing. Allele origin: germline. Affected: yes. Not counted in ClinVar's aggregate classification.

National Health Laboratory Service, Universitas Academic Hospital and University of the Free State
Classification: Likely benign for Hereditary breast ovarian cancer syndrome. Last evaluated: 2021-11-16. Review status: criteria provided, single submitter. Criteria: ACMG Guidelines, 2015. Collection method: clinical testing. Allele origin: germline. Affected: yes. Observed: 4 variant alleles. Not counted in ClinVar's aggregate classification.

CHEO Genetics Diagnostic Laboratory, Children's Hospital of Eastern Ontario
Classification: Benign for Breast and/or ovarian cancer. Last evaluated: 2021-04-30. Review status: criteria provided, single submitter. Criteria: ACMG Guidelines, 2015. Collection method: clinical testing. Allele origin: germline. Not counted in ClinVar's aggregate classification.

Sema4
Classification: Benign for Hereditary cancer-predisposing syndrome. Last evaluated: 2020-05-10. Review status: criteria provided, single submitter. Criteria: Sema4 Curation Guidelines. Collection method: curation. Allele origin: germline. Not counted in ClinVar's aggregate classification.

Mendelics
Classification: Likely benign for Breast-ovarian cancer, familial, susceptibility to, 2. Last evaluated: 2019-05-28. Review status: criteria provided, single submitter. Criteria: Mendelics Assertion Criteria 2017. Collection method: clinical testing. Allele origin: unknown. Not counted in ClinVar's aggregate classification.

Institute of Human Genetics, University of Leipzig Medical Center
Classification: Likely benign for Familial cancer of breast. Last evaluated: 2019-01-01. Review status: criteria provided, single submitter. Criteria: ACMG Guidelines, 2015. Collection method: clinical testing. Allele origin: unknown. Affected: yes. Not counted in ClinVar's aggregate classification.

Genetic Services Laboratory, University of Chicago
Classification: Benign. Last evaluated: 2018-11-26. Review status: criteria provided, single submitter. Criteria: ACMG Guidelines, 2015. Collection method: clinical testing. Allele origin: germline. Affected: no. Not counted in ClinVar's aggregate classification.

Institute for Biomarker Research, Medical Diagnostic Laboratories, L.L.C.
Classification: Likely benign for Hereditary breast and ovarian cancer syndrome. Last evaluated: 2018-01-16. Review status: criteria provided, single submitter. Criteria: ACMG Guidelines, 2015. Collection method: clinical testing. Allele origin: germline. Not counted in ClinVar's aggregate classification.

Illumina Laboratory Services, Illumina
Classification: Likely benign for Breast-ovarian cancer, familial, susceptibility to, 2. Last evaluated: 2017-04-27. Review status: criteria provided, single submitter. Criteria: ICSL Variant Classification Criteria 13 December 2019. Collection method: clinical testing. Allele origin: germline. Not counted in ClinVar's aggregate classification.
Comment: This variant was observed as part of a predisposition screen in an ostensibly healthy population. A literature search was performed for the gene, cDNA change, and amino acid change (where applicable). Publications were found based on this search. The evidence from the literature, in combination with allele frequency data from public databases where available, was sufficient to determine this variant is unlikely to cause disease. Therefore, this variant is classified as likely benign.

Illumina Laboratory Services, Illumina
Classification: Likely benign for Fanconi anemia complementation group D1. Last evaluated: 2017-04-27. Review status: criteria provided, single submitter. Criteria: ICSL Variant Classification Criteria 13 December 2019. Collection method: clinical testing. Allele origin: germline. Not counted in ClinVar's aggregate classification.
Comment: This variant was observed as part of a predisposition screen in an ostensibly healthy population. A literature search was performed for the gene, cDNA change, and amino acid change (where applicable). No publications were found based on this search. Allele frequency data from public databases allowed determination this variant is unlikely to cause disease. Therefore, this variant is classified as likely benign.

Cancer Genetics and Genomics Laboratory, British Columbia Cancer Agency
Classification: Likely benign. Last evaluated: 2017-04-18. Review status: criteria provided, single submitter. Criteria: ACMG Guidelines, 2015. Collection method: clinical testing. Allele origin: germline. Study: The Canadian Open Genetics Repository (COGR). Not counted in ClinVar's aggregate classification.

NM_000059.4(BRCA2):c.68-7T>A

Gene: BRCA2 (BRCA2 DNA repair associated; plus strand). Cytogenetic location: 13q13.1.
Variant type: single nucleotide variant.
Coding change: c.68-7T>A on transcript NM_000059.4 (MANE Select); 7 bases into the intron before coding-DNA position 68, T replaced by A.
Molecular consequence: intron variant.
Genome position (GRCh38, 1-based): chr13:32,319,070, T>A. VCF-style: chr13-32319070-T-A. GRCh37 (hg19) VCF-style: chr13-32893207-T-A.
Other names: IVS2-7 T>A; IVS2-7T-A; IVS2-7T>A.
Identifiers: ClinVar variation 52187 (VCV000052187.135), dbSNP rs81002830, ClinGen allele CA024538.